The following is an entry in ClinVar:

ClinVar aggregate classification (germline): Pathogenic. Review status: criteria provided, multiple submitters, no conflicts (2 of 4 stars). 2 submissions from 2 submitters: Pathogenic (2). Last evaluated 2024-11-25.

Conditions:
Microcephaly, normal intelligence and immunodeficiency (NBS). Also called: IMMUNODEFICIENCY, MICROCEPHALY, AND CHROMOSOMAL INSTABILITY; Ataxia telangiectasia variant V1; SEEMANOVA SYNDROME II; BERLIN BREAKAGE SYNDROME; Immunodeficiency, microcephaly with normal intelligence; Nijmegen breakage syndrome. Identifiers: Orphanet 647, MedGen C0398791, MONDO:0009623, OMIM 251260.
Aplastic anemia. Identifiers: Orphanet 182040, Orphanet 88, MedGen C0002874, MONDO:0015909, OMIM 609135, HP:0001915.

Submissions (2):

Labcorp Genetics (formerly Invitae), Labcorp
Classification: Pathogenic for Microcephaly, normal intelligence and immunodeficiency. Last evaluated: 2024-11-25. Review status: criteria provided, single submitter. Criteria: Invitae Variant Classification Sherloc (09022015). Collection method: clinical testing. Allele origin: germline.
Comment: This sequence change creates a premature translational stop signal (p.Pro700Serfs*42) in the NBN gene. While this is not anticipated to result in nonsense mediated decay, it is expected to disrupt the last 55 amino acid(s) of the NBN protein. This variant is not present in population databases (gnomAD no frequency). This premature translational stop signal has been observed in individual(s) with breast cancer (PMID: 27616075). ClinVar contains an entry for this variant (Variation ID: 2136685). This variant disrupts a region of the NBN protein in which other variant(s) (p.Gln732*) have been determined to be pathogenic (internal data). This suggests that this is a clinically significant region of the protein, and that variants that disrupt it are likely to be disease-causing. For these reasons, this variant has been classified as Pathogenic.

Baylor Genetics
Classification: Pathogenic for Aplastic anemia. Last evaluated: 2023-11-09. Review status: criteria provided, single submitter. Criteria: ACMG Guidelines, 2015. Collection method: clinical testing. Allele origin: unknown.

Literature cited by the submitters: PubMed 27616075 (cited by Labcorp Genetics (formerly Invitae), Labcorp).

NM_002485.5(NBN):c.2097dup (p.Pro700fs)

Gene: NBN (nibrin; minus strand). Cytogenetic location: 8q21.3.
Variant type: Duplication.
Coding change: c.2097dup on transcript NM_002485.5 (MANE Select); coding-DNA position 2097, one base duplicated (T; older notation c.2097dupT).
Protein change: p.Pro700fs; shifts the reading frame from proline 700.
Molecular consequence: frameshift variant.
Genome position (GRCh38, 1-based): chr8:89,943,340, A duplicated on the plus strand (T on the coding strand, the reverse complement: NBN is on the minus strand); the first of 2 consecutive A bases (chr8:89,943,340-89,943,341); duplicating either gives the same sequence. VCF-style (leftmost placement, unchanged base first): chr8-89943339-G-GA. GRCh37 (hg19) VCF-style: chr8-90955567-G-GA.
Other names: c.1851dup, p.Pro618fs (NM_001024688.3); short protein forms P618fs, P700fs.
Identifiers: ClinVar variation 2136685 (VCV002136685.5), dbSNP rs2488191739, ClinGen allele CA2580079023.